The following is an entry in ClinVar:

NM_004304.5(ALK):c.4165G>T (p.Asp1389Tyr)

Gene: ALK (ALK receptor tyrosine kinase; minus strand). Cytogenetic location: 2p23.2.
Variant type: single nucleotide variant.
Coding change: c.4165G>T on transcript NM_004304.5 (MANE Select); coding-DNA position 4165, G replaced by T.
Protein change: p.Asp1389Tyr; replaces aspartic acid 1389 with tyrosine.
Molecular consequence: missense variant.
Genome position (GRCh38, 1-based): chr2:29,193,922, C>A on the plus strand (G>T on the coding strand, the complement: ALK is on the minus strand). VCF-style: chr2-29193922-C-A. GRCh37 (hg19) VCF-style: chr2-29416788-C-A.
Other names: c.961G>T, p.Asp321Tyr (NM_001353765.2); short protein forms D1389Y, D321Y.
Identifiers: ClinVar variation 1421764 (VCV001421764.8), dbSNP rs2148139191, ClinGen allele CA346463682.

ClinVar aggregate classification (germline): Uncertain significance (1 of 4 stars; one submission).

Conditions:
Neuroblastoma, susceptibility to, 3. Also called: ALK-Related Neuroblastic Tumor Susceptibility. Identifiers: Orphanet 635, MedGen C2751681, MONDO:0013083, OMIM 613014.

Submission:

Labcorp Genetics (formerly Invitae), Labcorp
Classification: Uncertain significance for Neuroblastoma, susceptibility to, 3. Last evaluated: 2021-06-12. Review status: criteria provided, single submitter. Criteria: Invitae Variant Classification Sherloc (09022015). Collection method: clinical testing. Allele origin: germline.
Comment: In summary, the available evidence is currently insufficient to determine the role of this variant in disease. Therefore, it has been classified as a Variant of Uncertain Significance. Algorithms developed to predict the effect of sequence changes on RNA splicing suggest that this variant may disrupt the consensus splice site, but this prediction has not been confirmed by published transcriptional studies. Algorithms developed to predict the effect of missense changes on protein structure and function are either unavailable or do not agree on the potential impact of this missense change (SIFT: "Deleterious"; PolyPhen-2: "Probably Damaging"; Align-GVGD: "Class C15"). This variant has not been reported in the literature in individuals with ALK-related conditions. This variant is not present in population databases (ExAC no frequency). This sequence change replaces aspartic acid with tyrosine at codon 1389 of the ALK protein (p.Asp1389Tyr). The aspartic acid residue is highly conserved and there is a large physicochemical difference between aspartic acid and tyrosine.